The following is an entry in ClinVar:

ClinVar aggregate classification (germline): Uncertain significance (1 of 4 stars; one submission).

Submission:

Dasa
Classification: Uncertain significance. Last evaluated: 2026-03-19. Review status: criteria provided, single submitter. Criteria: DASA Assertion Criteria. Collection method: clinical testing. Allele origin: germline.
Comment: NM_001382241.1(TNPO2):c.1323C>G (p.Ile441Met) is a missense variant that results in the substitution of isoleucine with methionine. This variant is absent from population databases. The currently available literature and clinical evidence are not sufficient to establish a definitive association between this variant and the reported condition. Therefore, this variant is classified as a variant of uncertain significance.

NM_001382241.1(TNPO2):c.1323C>G (p.Ile441Met)

Gene: TNPO2 (transportin 2; minus strand). Cytogenetic location: 19p13.13.
Variant type: single nucleotide variant.
Coding change: c.1323C>G on transcript NM_001382241.1 (MANE Select); coding-DNA position 1323, C replaced by G.
Protein change: p.Ile441Met; replaces isoleucine 441 with methionine.
Molecular consequence: missense variant. On other transcripts: non-coding transcript variant (6).
Genome position (GRCh38, 1-based): chr19:12,706,743, G>C on the plus strand (C>G on the coding strand, the complement: TNPO2 is on the minus strand). VCF-style: chr19-12706743-G-C. GRCh37 (hg19) VCF-style: chr19-12817557-G-C.
Other names: c.1323C>G, p.Ile441Met (NM_001136195.2, NM_001136196.2, NM_001382236.1 and 7 more transcripts); short protein forms I441M.
Identifiers: ClinVar variation 4883553 (VCV004883553.2).
Genomic context (GRCh38, chr19:12,706,743, plus strand): 5'-GCGGCTCAGCGTCCAGCAGGCGATGGAGCGGACCAAGGCCTTCTTATCCGACAGGCACTG[G>C]ATCAGGTGCGGGATCAGCTCAGGCAGGTAGGGCACCATGCCCTGCATGCAGCCTACAAGG-3'
Protein context (NP_001369170.1, residues 431-451): PYLPELIPHL[Ile441Met]QCLSDKKALV